The following is an entry in ClinVar:

ClinVar aggregate classification (germline): Uncertain significance (1 of 4 stars; one submission).

gnomAD v4.1: 2 of 1,551,586 alleles (0.00013%); highest among the groups gnomAD compares: Non-Finnish European, 0.00017%; no homozygotes.

Submission:

Labcorp Genetics (formerly Invitae), Labcorp
Classification: Uncertain significance. Last evaluated: 2025-09-13. Review status: criteria provided, single submitter. Criteria: Invitae Variant Classification Sherloc (09022015). Collection method: clinical testing. Allele origin: germline.
Comment: This sequence change replaces glutamine, which is neutral and polar, with histidine, which is basic and polar, at codon 12 of the RHOBTB2 protein (p.Gln12His). This variant is not present in population databases (gnomAD no frequency). This variant has not been reported in the literature in individuals affected with RHOBTB2-related conditions. ClinVar contains an entry for this variant (Variation ID: 3665896). An algorithm developed to predict the effect of missense changes on protein structure and function (PolyPhen-2) suggests that this variant is likely to be tolerated. In summary, the available evidence is currently insufficient to determine the role of this variant in disease. Therefore, it has been classified as a Variant of Uncertain Significance.

NC_000008.11:g.22994619G>C

Genes: RHOBTB2 (Rho related BTB domain containing 2; plus strand), RHOBTB2-AS1 (RHOBTB2 antisense RNA 1; minus strand). Cytogenetic location: 8p21.3.
Variant type: single nucleotide variant.
Molecular consequence: missense variant (on NM_001160036.2).
Genome position: GRCh38 VCF-style: chr8-22994619-G-C. GRCh37 (hg19) VCF-style: chr8-22852132-G-C.
Other names: c.36G>C, p.Gln12His (NM_001160036.2); short protein forms Q12H.
Identifiers: ClinVar variation 3665896 (VCV003665896.2).